The following is an entry in ClinVar:

ClinVar aggregate classification (germline): Uncertain significance. Review status: criteria provided, multiple submitters, no conflicts (2 of 4 stars). 2 submissions from 2 submitters: Uncertain significance (2). Last evaluated 2024-02-24.

Conditions:
Retinal dystrophy. Also called: Inherited retinal dystrophy. Identifiers: Orphanet 71862, MedGen C0854723, MeSH D058499, MONDO:0019118, HP:0000556.

Allele frequency attached by ClinVar (database versions not stated): TOPMed below 0.00001; gnomAD exomes 0.00001.
gnomAD v4.1: 13 of 1,614,090 alleles (0.00081%); highest among the groups gnomAD compares: Non-Finnish European, 0.001%; no homozygotes.

Submissions (2):

Labcorp Genetics (formerly Invitae), Labcorp
Classification: Uncertain significance. Last evaluated: 2024-02-24. Review status: criteria provided, single submitter. Criteria: Invitae Variant Classification Sherloc (09022015). Collection method: clinical testing. Allele origin: germline.
Comment: This sequence change replaces arginine, which is basic and polar, with cysteine, which is neutral and slightly polar, at codon 878 of the USH2A protein (p.Arg878Cys). This variant is not present in population databases (gnomAD no frequency). This variant has not been reported in the literature in individuals affected with USH2A-related conditions. ClinVar contains an entry for this variant (Variation ID: 2415573). Advanced modeling of protein sequence and biophysical properties (such as structural, functional, and spatial information, amino acid conservation, physicochemical variation, residue mobility, and thermodynamic stability) performed at Invitae indicates that this missense variant is not expected to disrupt USH2A protein function with a negative predictive value of 95%. In summary, the available evidence is currently insufficient to determine the role of this variant in disease. Therefore, it has been classified as a Variant of Uncertain Significance.

Dept Of Ophthalmology, Nagoya University
Classification: Uncertain significance for Retinal dystrophy. Last evaluated: 2023-10-01. Review status: criteria provided, single submitter. Criteria: Submitter's publication. Collection method: research. Allele origin: germline. Affected: yes.

NM_206933.4(USH2A):c.2632C>T (p.Arg878Cys)

Genes: USH2A (usherin; minus strand), LOC122152296 (Sharpr-MPRA regulatory region 8762; plus strand). Cytogenetic location: 1q41.
Variant type: single nucleotide variant.
Coding change: c.2632C>T on transcript NM_206933.4 (MANE Select); coding-DNA position 2632, C replaced by T.
Protein change: p.Arg878Cys; replaces arginine 878 with cysteine.
Molecular consequence: missense variant.
Genome position (GRCh38, 1-based): chr1:216,246,762, G>A on the plus strand (C>T on the coding strand, the complement: USH2A is on the minus strand). VCF-style: chr1-216246762-G-A. GRCh37 (hg19) VCF-style: chr1-216420104-G-A.
Other names: c.2632C>T, p.Arg878Cys (NM_007123.6); short protein forms R878C.
Identifiers: ClinVar variation 2415573 (VCV002415573.7), dbSNP rs867113130, ClinGen allele CA37501164.
Genomic context (GRCh38, chr1:216,246,762, plus strand): 5'-GGCAGTGTTGAAAATTGTCAATGGTCAAATTGTACCTGTGAGGCTCACACTGATTACAGC[G>A]AAGACCTGTTACCCCTAATTTGCAAGGACATTGTCCTGTTGATTTGTTACACAGCAGAGA-3'
Protein context (NP_996816.3, residues 868-888): CPCKLGVTGL[Arg878Cys]CNQCEPHRYN